The following is an entry in ClinVar:

ClinVar aggregate classification (germline): Likely benign (1 of 4 stars; one submission).

Allele frequency attached by ClinVar (database versions not stated): 1000 Genomes Project 0.00020; 1000 Genomes Project 30x 0.00031; ESP Exome Variant Server 0.00093.

Submission:

CeGaT Center for Human Genetics Tuebingen
Classification: Likely benign. Last evaluated: 2022-12-01. Review status: criteria provided, single submitter. Criteria: CeGaT Center For Human Genetics Tuebingen Variant Classification Criteria Version 2. Collection method: clinical testing. Allele origin: germline. Affected: yes. Observed: 1 variant allele.
Comment: MUC2: BP4, BP7

NM_002457.5(MUC2):c.12666G>A (p.Pro4222=)

Gene: MUC2 (mucin 2, oligomeric mucus/gel-forming; plus strand). Cytogenetic location: 11p15.5.
Variant type: single nucleotide variant.
Coding change: c.12666G>A on transcript NM_002457.5 (MANE Select); coding-DNA position 12666, G replaced by A.
Protein change: p.Pro4222=; no amino-acid change (proline 4222 retained).
Molecular consequence: synonymous variant.
Genome position (GRCh38, 1-based): chr11:1,100,000, G>A. VCF-style: chr11-1100000-G-A. GRCh37 (hg19) VCF-style: chr11-1093908-G-A.
Identifiers: ClinVar variation 2641153 (VCV002641153.24), dbSNP rs202018386, ClinGen allele CA5800499.